The following is an entry in ClinVar:

NM_002474.3(MYH11):c.2884G>A (p.Glu962Lys)

Gene: MYH11 (myosin heavy chain 11; minus strand). Cytogenetic location: 16p13.11.
Variant type: single nucleotide variant.
Coding change: c.2884G>A on transcript NM_002474.3 (MANE Select); coding-DNA position 2884, G replaced by A.
Protein change: p.Glu962Lys; replaces glutamic acid 962 with lysine.
Molecular consequence: missense variant.
Genome position (GRCh38, 1-based): chr16:15,740,164, C>T on the plus strand (G>A on the coding strand, the complement: MYH11 is on the minus strand). VCF-style: chr16-15740164-C-T. GRCh37 (hg19) VCF-style: chr16-15834021-C-T.
Other names: c.2905G>A, p.Glu969Lys (NM_001040113.2, NM_001040114.2); c.2884G>A, p.Glu962Lys (NM_022844.3); c.2884G>A (NM_002474.2); short protein forms E962K, E969K.
Identifiers: ClinVar variation 4779643 (VCV004779643.2).

ClinVar aggregate classification (germline): Uncertain significance. Review status: criteria provided, multiple submitters, no conflicts (2 of 4 stars). 2 submissions from 2 submitters: Uncertain significance (2). Last evaluated 2026-06-27.

Conditions:
Aortic aneurysm, familial thoracic 4 (AAT4). Also called: AORTIC ANEURYSM/AORTIC DISSECTION AND PATENT DUCTUS ARTERIOSUS. Identifiers: MedGen C1851504, MONDO:0007568, OMIM 132900.
Familial thoracic aortic aneurysm and aortic dissection (TAAD). Also called: Thoracic aortic aneurysms and dissections. Identifiers: Orphanet 91387, MedGen C4707243, MONDO:0019625.

gnomAD v4.1: 1 of 1,614,228 alleles (0.000062%); highest among the groups gnomAD compares: Non-Finnish European, 0.000085%; no homozygotes.

Submissions (2):

Ambry Genetics
Classification: Uncertain significance for Familial thoracic aortic aneurysm and aortic dissection. Last evaluated: 2026-06-27. Review status: criteria provided, single submitter. Criteria: Ambry Variant Classification Scheme 2023. Collection method: clinical testing. Allele origin: germline.
Comment: The p.E962K variant (also known as c.2884G>A), located in coding exon 22 of the MYH11 gene, results from a G to A substitution at nucleotide position 2884. The glutamic acid at codon 962 is replaced by lysine, an amino acid with similar properties. This amino acid position is conserved. In addition, the in silico prediction for this alteration is inconclusive. Based on the available evidence, the clinical significance of this variant remains unclear.

Labcorp Genetics (formerly Invitae), Labcorp
Classification: Uncertain significance for Aortic aneurysm, familial thoracic 4. Last evaluated: 2025-02-20. Review status: criteria provided, single submitter. Criteria: Invitae Variant Classification Sherloc (09022015). Collection method: clinical testing. Allele origin: germline.
Comment: This sequence change replaces glutamic acid, which is acidic and polar, with lysine, which is basic and polar, at codon 969 of the MYH11 protein (p.Glu969Lys). This variant is present in population databases (rs750897025, gnomAD 0.0009%). This variant has not been reported in the literature in individuals affected with MYH11-related conditions. Invitae Evidence Modeling of protein sequence and biophysical properties (such as structural, functional, and spatial information, amino acid conservation, physicochemical variation, residue mobility, and thermodynamic stability) indicates that this missense variant is not expected to disrupt MYH11 protein function with a negative predictive value of 95%. In summary, the available evidence is currently insufficient to determine the role of this variant in disease. Therefore, it has been classified as a Variant of Uncertain Significance.